The following is an entry in ClinVar:

ClinVar aggregate classification (germline): Pathogenic (1 of 4 stars; one submission).

Conditions:
Wilms tumor 1 (WT1). Also called: Wilms tumor, somatic. Identifiers: Orphanet 654, MedGen CN033288, MONDO:0008679, OMIM 194070.
Frasier syndrome. Identifiers: Orphanet 347, MedGen C0950122, MeSH D052159, MONDO:0007635, OMIM 136680.
Drash syndrome (DDS). Also called: WILMS TUMOR AND PSEUDO- OR TRUE HERMAPHRODITISM; NEPHROPATHY, WILMS TUMOR, AND GENITAL ANOMALIES. Identifiers: Orphanet 220, MedGen C0950121, MONDO:0008682, OMIM 194080.
11p partial monosomy syndrome (WAGR). Also called: WAGR syndrome; WAGR Complex; WAGR Spectrum Disorder; CHROMOSOME 11p13 DELETION SYNDROME. Identifiers: Orphanet 893, MedGen C0206115, MONDO:0008681, OMIM 194072.

Submission:

Labcorp Genetics (formerly Invitae), Labcorp
Classification: Pathogenic for Wilms tumor 1; Drash syndrome; 11p partial monosomy syndrome; Frasier syndrome. Last evaluated: 2025-08-01. Review status: criteria provided, single submitter. Criteria: Invitae Variant Classification Sherloc (09022015). Collection method: clinical testing. Allele origin: germline.
Comment: This sequence change creates a premature translational stop signal (p.Glu418Glyfs*31) in the WT1 gene. It is expected to result in an absent or disrupted protein product. Loss-of-function variants in WT1 are known to be pathogenic (PMID: 15150775). This variant is not present in population databases (gnomAD no frequency). This variant has not been reported in the literature in individuals affected with WT1-related conditions. For these reasons, this variant has been classified as Pathogenic.

Literature cited by the submitters: PubMed 15150775.

NM_024426.6(WT1):c.1268del (p.Glu423fs)

Gene: WT1 (WT1 transcription factor; minus strand). Cytogenetic location: 11p13.
Variant type: Deletion.
Coding change: c.1268del on transcript NM_024426.6 (MANE Select); coding-DNA position 1268, one base deleted (A; older notation c.1268delA).
Protein change: p.Glu423fs; shifts the reading frame from glutamic acid 423.
Molecular consequence: frameshift variant. On other transcripts: non-coding transcript variant (2), intron variant (1).
Genome position (GRCh38, 1-based): chr11:32,392,752, T deleted on the plus strand (A on the coding strand, the reverse complement: WT1 is on the minus strand). VCF-style (leftmost placement, unchanged base first): chr11-32392751-CT-C. GRCh37 (hg19) VCF-style: chr11-32414297-CT-C.
Other names: c.1217del, p.Glu406fs (NM_000378.6, NM_001407045.1, NM_001407049.1); c.617del, p.Glu206fs (NM_001198551.2); c.566del, p.Glu189fs (NM_001198552.2); c.80del, p.Glu27fs (NM_001367854.1); c.1262del, p.Glu421fs (NM_001407044.1); c.1268del, p.Glu423fs (NM_001407046.1, NM_024424.5); c.1145del, p.Glu382fs (NM_001407047.1); c.1094del, p.Glu365fs (NM_001407050.1); and 4 more; short protein forms E333fs, E382fs, E421fs, E169fs, E206fs, E27fs, E189fs, E406fs.
Identifiers: ClinVar variation 4785698 (VCV004785698.1).